The following is an entry in ClinVar:

ClinVar aggregate classification (germline): Uncertain significance. Review status: criteria provided, multiple submitters, no conflicts (2 of 4 stars). 2 submissions from 2 submitters: Uncertain significance (2). Last evaluated 2022-04-04.

Conditions:
Inborn genetic diseases. Identifiers: MedGen C0950123, MeSH D030342.

Allele frequency attached by ClinVar (database versions not stated): gnomAD exomes 0.00001; gnomAD 0.00002 and 0.00003; 1000 Genomes Project 30x 0.00016; 1000 Genomes Project 0.00020.
gnomAD v4.1: 23 of 1,570,784 alleles (0.0015%); highest among the groups gnomAD compares: Middle Eastern, 0.017%; no homozygotes.

Submissions (2):

Labcorp Genetics (formerly Invitae), Labcorp
Classification: Uncertain significance. Last evaluated: 2022-04-04. Review status: criteria provided, single submitter. Criteria: Invitae Variant Classification Sherloc (09022015). Collection method: clinical testing. Allele origin: germline.
Comment: This sequence change replaces alanine, which is neutral and non-polar, with threonine, which is neutral and polar, at codon 1023 of the PTPN23 protein (p.Ala1023Thr). This variant is present in population databases (rs200908078, gnomAD 0.006%). This variant has not been reported in the literature in individuals affected with PTPN23-related conditions. Algorithms developed to predict the effect of missense changes on protein structure and function output the following: SIFT: "Tolerated"; PolyPhen-2: "Benign"; Align-GVGD: "Class C0". The threonine amino acid residue is found in multiple mammalian species, which suggests that this missense change does not adversely affect protein function. In summary, the available evidence is currently insufficient to determine the role of this variant in disease. Therefore, it has been classified as a Variant of Uncertain Significance.

Ambry Genetics
Classification: Uncertain significance for Inborn genetic diseases. Last evaluated: 2021-10-06. Review status: criteria provided, single submitter. Criteria: Ambry Variant Classification Scheme 2023. Collection method: clinical testing. Allele origin: germline.

NM_015466.4(PTPN23):c.3067G>A (p.Ala1023Thr)

Gene: PTPN23 (protein tyrosine phosphatase non-receptor type 23; plus strand). Cytogenetic location: 3p21.31.
Variant type: single nucleotide variant.
Coding change: c.3067G>A on transcript NM_015466.4 (MANE Select); coding-DNA position 3067, G replaced by A.
Protein change: p.Ala1023Thr; replaces alanine 1023 with threonine.
Molecular consequence: missense variant.
Genome position (GRCh38, 1-based): chr3:47,410,865, G>A. VCF-style: chr3-47410865-G-A. GRCh37 (hg19) VCF-style: chr3-47452355-G-A.
Other names: c.2689G>A, p.Ala897Thr (NM_001304482.2); c.3067G>A (NM_015466.2); short protein forms A897T, A1023T.
Identifiers: ClinVar variation 1392844 (VCV001392844.6), dbSNP rs200908078, ClinGen allele CA2366188.